The following is an entry in ClinVar:

ClinVar aggregate classification (germline): Uncertain significance (1 of 4 stars; one submission).

Conditions:
Disseminated atypical mycobacterial infection. Identifiers: MedGen C0694566.

Allele frequency attached by ClinVar (database versions not stated): gnomAD exomes 0.00001 and 0.00002; TOPMed 0.00001; ExAC 0.00002; gnomAD 0.00002.
gnomAD v4.1: 21 of 1,613,450 alleles (0.0013%); highest among the groups gnomAD compares: Non-Finnish European, 0.0014%; no homozygotes.

Submission:

Labcorp Genetics (formerly Invitae), Labcorp
Classification: Uncertain significance for Disseminated atypical mycobacterial infection. Last evaluated: 2022-02-10. Review status: criteria provided, single submitter. Criteria: Invitae Variant Classification Sherloc (09022015). Collection method: clinical testing. Allele origin: germline.
Comment: In summary, the available evidence is currently insufficient to determine the role of this variant in disease. Therefore, it has been classified as a Variant of Uncertain Significance. Algorithms developed to predict the effect of missense changes on protein structure and function (SIFT, PolyPhen-2, Align-GVGD) all suggest that this variant is likely to be tolerated. ClinVar contains an entry for this variant (Variation ID: 951446). This variant has not been reported in the literature in individuals affected with IFNGR1-related conditions. This variant is present in population databases (rs763644961, gnomAD 0.004%). This sequence change replaces valine, which is neutral and non-polar, with glycine, which is neutral and non-polar, at codon 56 of the IFNGR1 protein (p.Val56Gly).

NM_000416.3(IFNGR1):c.167T>G (p.Val56Gly)

Gene: IFNGR1 (interferon gamma receptor 1; minus strand). Cytogenetic location: 6q23.3.
Variant type: single nucleotide variant.
Coding change: c.167T>G on transcript NM_000416.3 (MANE Select); coding-DNA position 167, T replaced by G.
Protein change: p.Val56Gly; replaces valine 56 with glycine.
Molecular consequence: missense variant.
Genome position (GRCh38, 1-based): chr6:137,206,996, A>C on the plus strand (T>G on the coding strand, the complement: IFNGR1 is on the minus strand). VCF-style: chr6-137206996-A-C. GRCh37 (hg19) VCF-style: chr6-137528133-A-C.
Other names: c.137T>G, p.Val46Gly (NM_001363526.1); c.44T>G, p.Val15Gly (NM_001363527.1); short protein forms V56G, V15G, V46G.
Identifiers: ClinVar variation 951446 (VCV000951446.11), dbSNP rs763644961, ClinGen allele CA4019034.